The following is an entry in ClinVar:

NM_001161403.3(LIMS2):c.11+1346A>T

Gene: LIMS2 (LIM zinc finger domain containing 2; minus strand). Cytogenetic location: 2q14.3.
Variant type: single nucleotide variant.
Coding change: c.11+1346A>T on transcript NM_001161403.3 (MANE Select); 1346 bases into the intron after coding-DNA position 11, A replaced by T.
Molecular consequence: intron variant.
Genome position (GRCh38, 1-based): chr2:127,673,668, T>A on the plus strand (A>T on the coding strand, the complement: LIMS2 is on the minus strand). VCF-style: chr2-127673668-T-A. GRCh37 (hg19) VCF-style: chr2-128431242-T-A.
Other names: c.-5+7652A>T (NM_001161404.2); c.77+10A>T (NM_001136037.4).
Identifiers: ClinVar variation 4762085 (VCV004762085.1).

ClinVar aggregate classification (germline): Uncertain significance (1 of 4 stars; one submission).

Conditions:
Autosomal recessive limb-girdle muscular dystrophy type 2W (MDRCMTT). Also called: Muscular dystrophy, autosomal recessive, with cardiomyopathy and triangular tongue; Muscular dystrophy, limb-girdle, type 2W. Identifiers: MedGen C4225192, MONDO:0014788, OMIM 616827.

Submission:

Labcorp Genetics (formerly Invitae), Labcorp
Classification: Uncertain significance for Autosomal recessive limb-girdle muscular dystrophy type 2W. Last evaluated: 2025-11-18. Review status: criteria provided, single submitter. Criteria: Invitae Variant Classification Sherloc (09022015). Collection method: clinical testing. Allele origin: germline.
Comment: This sequence change falls in intron 2 of the LIMS2 gene. It does not directly change the encoded amino acid sequence of the LIMS2 protein. This variant is not present in population databases (gnomAD no frequency). This variant has not been reported in the literature in individuals affected with LIMS2-related conditions. Algorithms developed to predict the effect of sequence changes on RNA splicing suggest that this variant may create or strengthen a splice site. In summary, the available evidence is currently insufficient to determine the role of this variant in disease. Therefore, it has been classified as a Variant of Uncertain Significance.